The following is an entry in ClinVar:

NM_016123.4(IRAK4):c.1120G>A (p.Gly374Ser)

Gene: IRAK4 (interleukin 1 receptor associated kinase 4; plus strand). Cytogenetic location: 12q12.
Variant type: single nucleotide variant.
Coding change: c.1120G>A on transcript NM_016123.4 (MANE Select); coding-DNA position 1120, G replaced by A.
Protein change: p.Gly374Ser; replaces glycine 374 with serine.
Molecular consequence: missense variant.
Genome position (GRCh38, 1-based): chr12:43,782,485, G>A. VCF-style: chr12-43782485-G-A. GRCh37 (hg19) VCF-style: chr12-44176288-G-A.
Other names: c.1120G>A, p.Gly374Ser (NM_001114182.3, NM_001351345.2); c.748G>A, p.Gly250Ser (NM_001145256.2, NM_001145257.2, NM_001145258.2 and 5 more transcripts); c.511G>A, p.Gly171Ser (NM_001351343.2, NM_001351344.2); short protein forms G171S, G374S, G250S.
Identifiers: ClinVar variation 4695092 (VCV004695092.1).
Genomic context (GRCh38, chr12:43,782,485, plus strand): 5'-TATATGGCACCAGAAGCTTTGCGTGGAGAAATAACACCCAAATCTGATATTTACAGCTTT[G>A]GTGTGGTAAGTTCCGTATACATAATTATTAAAAATAATCATTCTGCTATAATTGTGAAAA-3'
Protein context (NP_057207.2, residues 364-384): ITPKSDIYSF[Gly374Ser]VVLLEIITGL

ClinVar aggregate classification (germline): Uncertain significance (1 of 4 stars; one submission).

Conditions:
Immunodeficiency 67. Also called: Immunodeficiency due to interleukin-1 receptor-associated kinase-4 deficiency. Identifiers: Orphanet 70592, MedGen C1843256, MONDO:0011888, OMIM 607676.

Submission:

Labcorp Genetics (formerly Invitae), Labcorp
Classification: Uncertain significance for Immunodeficiency 67. Last evaluated: 2025-03-30. Review status: criteria provided, single submitter. Criteria: Invitae Variant Classification Sherloc (09022015). Collection method: clinical testing. Allele origin: germline.
Comment: This sequence change replaces glycine, which is neutral and non-polar, with serine, which is neutral and polar, at codon 374 of the IRAK4 protein (p.Gly374Ser). This variant is present in population databases (rs779468411, gnomAD 0.002%). This missense change has been observed in individual(s) with recurrent infections (PMID: 32047491). Invitae Evidence Modeling of protein sequence and biophysical properties (such as structural, functional, and spatial information, amino acid conservation, physicochemical variation, residue mobility, and thermodynamic stability) indicates that this missense variant is expected to disrupt IRAK4 protein function with a positive predictive value of 80%. In summary, the available evidence is currently insufficient to determine the role of this variant in disease. Therefore, it has been classified as a Variant of Uncertain Significance.

Literature cited by the submitters: PubMed 32047491.